The following is an entry in ClinVar:

ClinVar aggregate classification (germline): Pathogenic (1 of 4 stars; one submission).

Conditions:
BAP1-related tumor predisposition syndrome (TPDS1). Also called: BAP1 tumor predisposition syndrome; COMMON Syndrome; TUMOR PREDISPOSITION SYNDROME 1; Tumor susceptibility linked to germline BAP1 mutations. Identifiers: Orphanet 289539, MedGen C3280492, MONDO:0013692, OMIM 614327.

Submission:

Myriad Genetics, Inc.
Classification: Pathogenic for BAP1-related tumor predisposition syndrome. Last evaluated: 2024-04-17. Review status: criteria provided, single submitter. Criteria: Myriad Autosomal Dominant, Autosomal Recessive and X-Linked Classification Criteria (2023). Collection method: clinical testing. Allele origin: unknown.
Comment: This variant is considered pathogenic. This variant creates a frameshift predicted to result in premature protein truncation.

NM_004656.4(BAP1):c.1938_1939insTT (p.Glu647fs)

Gene: BAP1 (BRCA1 associated deubiquitinase 1; minus strand). Cytogenetic location: 3p21.1.
Variant type: Insertion.
Coding change: c.1938_1939insTT on transcript NM_004656.4 (MANE Select); coding-DNA positions 1938 to 1939, TT inserted.
Protein change: p.Glu647fs; shifts the reading frame from glutamic acid 647.
Molecular consequence: frameshift variant.
Genome position: GRCh38 VCF-style: chr3-52402823-C-CAA. GRCh37 (hg19) VCF-style: chr3-52436839-C-CAA.
Other names: c.1884_1885insTT, p.Glu629fs (NM_001410772.1); short protein forms E629fs, E647fs.
Identifiers: ClinVar variation 3254371 (VCV003254371.1), dbSNP rs2471322355.